The following is an entry in ClinVar:

ClinVar aggregate classification (germline): Pathogenic (1 of 4 stars; one submission).

Conditions:
Blepharocheilodontic syndrome 2 (BCDS2). Identifiers: MedGen C4540127, MONDO:0040503, OMIM 617681.

Submission:

Victorian Clinical Genetics Services, Murdoch Childrens Research Institute
Classification: Pathogenic for Blepharocheilodontic syndrome 2. Last evaluated: 2023-12-21. Review status: criteria provided, single submitter. Criteria: ACMG Guidelines, 2015. Collection method: clinical testing. Allele origin: germline. Inheritance: Autosomal dominant inheritance. Affected: yes.
Comment: Based on the classification scheme VCGS_Germline_v1.3.4, this variant is classified as Pathogenic. Following criteria are met: 0102 - Loss of function is a known mechanism of disease in this gene and is associated with blepharocheilodontic syndrome 2 (MIM#617681). (I) 0107 - This gene is associated with autosomal dominant disease. (I) 0211 - Canonical splice site variant without proven consequence on splicing (no functional evidence available). (SP) 0251 - This variant is heterozygous. (I) 0301 - Variant is absent from gnomAD (both v2 and v3). (SP) 0505 - Abnormal splicing is predicted by in silico tools and affected nucleotide is highly conserved. (SP) 0705 - No comparable splice site variants have previous evidence for pathogenicity. (I) 0807 - This variant has no previous evidence of pathogenicity. (I) 0905 - No published segregation evidence has been identified for this variant. (I) 1007 - No published functional evidence has been identified for this variant. (I) 1101 - Very strong and specific phenotype match for this individual. (SP) Legend: (SP) - Supporting pathogenic, (I) - Information, (SB) - Supporting benign

NM_001085458.2(CTNND1):c.2550+1G>A

Genes: CTNND1 (catenin delta 1; plus strand), TMX2-CTNND1 (TMX2-CTNND1 readthrough (NMD candidate); plus strand). Cytogenetic location: 11q12.1.
Variant type: single nucleotide variant.
Coding change: c.2550+1G>A on transcript NM_001085458.2 (MANE Select); the canonical splice donor site of the intron after coding-DNA position 2550, G replaced by A.
Molecular consequence: splice donor variant.
Genome position (GRCh38, 1-based): chr11:57,810,224, G>A. VCF-style: chr11-57810224-G-A. GRCh37 (hg19) VCF-style: chr11-57577696-G-A.
Other names: c.2550+1G>A (NM_001206885.2); c.2532+1G>A (NM_001085459.2, NM_001085461.2, NM_001331.3 and 2 more transcripts); c.2370+1G>A (NM_001206891.2, NM_001206889.2, NM_001206886.2 and 2 more transcripts); c.2229+1G>A (NM_001085467.2, NM_001206890.2, NM_001085464.2 and 3 more transcripts); c.2388+1G>A (NM_001206883.2, NM_001206884.2); c.2247+1G>A (NM_001085463.2, NM_001085466.2).
Identifiers: ClinVar variation 3254974 (VCV003254974.1), dbSNP rs2497730659.